The following is an entry in ClinVar:

NM_006348.5(COG5):c.640C>A (p.Arg214Ser)

Gene: COG5 (component of oligomeric golgi complex 5; minus strand). Cytogenetic location: 7q22.3.
Variant type: single nucleotide variant.
Coding change: c.640C>A on transcript NM_006348.5 (MANE Select); coding-DNA position 640, C replaced by A.
Protein change: p.Arg214Ser; replaces arginine 214 with serine.
Molecular consequence: missense variant. On other transcripts: intron variant (2).
Genome position (GRCh38, 1-based): chr7:107,412,531, G>T on the plus strand (C>A on the coding strand, the complement: COG5 is on the minus strand). VCF-style: chr7-107412531-G-T. GRCh37 (hg19) VCF-style: chr7-107052976-G-T.
Other names: c.640C>A, p.Arg214Ser (NM_001161520.2, NM_001379511.1, NM_001379512.1 and 3 more transcripts); c.235-50421C>A (NM_001379516.1); c.539-114185C>A (NM_001379515.1); short protein forms R214S.
Identifiers: ClinVar variation 1499462 (VCV001499462.6), dbSNP rs144485187, ClinGen allele CA4431169.

ClinVar aggregate classification (germline): Uncertain significance (1 of 4 stars; one submission).

Conditions:
COG5-congenital disorder of glycosylation. Also called: CONGENITAL DISORDER OF GLYCOSYLATION, TYPE IIi; CDG IIi; COG5-CDG. Identifiers: Orphanet 263487, MedGen C3150876, MONDO:0013325, OMIM 613612.

Allele frequency attached by ClinVar (database versions not stated): gnomAD 0.00001.
gnomAD v4.1: 4 of 1,612,556 alleles (0.00025%); highest among the groups gnomAD compares: Non-Finnish European, 0.00034%; no homozygotes.

Submission:

Labcorp Genetics (formerly Invitae), Labcorp
Classification: Uncertain significance for COG5-congenital disorder of glycosylation. Last evaluated: 2021-11-01. Review status: criteria provided, single submitter. Criteria: Invitae Variant Classification Sherloc (09022015). Collection method: clinical testing. Allele origin: germline.
Comment: In summary, the available evidence is currently insufficient to determine the role of this variant in disease. Therefore, it has been classified as a Variant of Uncertain Significance. Algorithms developed to predict the effect of missense changes on protein structure and function are either unavailable or do not agree on the potential impact of this missense change (SIFT: "Deleterious"; PolyPhen-2: "Benign"; Align-GVGD: "Class C15"). This variant has not been reported in the literature in individuals affected with COG5-related conditions. The frequency data for this variant in the population databases is considered unreliable, as metrics indicate poor data quality at this position in the gnomAD database. This sequence change replaces arginine, which is basic and polar, with serine, which is neutral and polar, at codon 245 of the COG5 protein (p.Arg245Ser).